The following is an entry in ClinVar:

NM_001257180.2(SLC20A2):c.515del (p.Lys172fs)

Gene: SLC20A2 (solute carrier family 20 member 2; minus strand). Cytogenetic location: 8p11.21.
Variant type: Deletion.
Coding change: c.515del on transcript NM_001257180.2 (MANE Select); coding-DNA position 515, one base deleted (A; older notation c.515delA).
Protein change: p.Lys172fs; shifts the reading frame from lysine 172.
Molecular consequence: frameshift variant.
Genome position (GRCh38, 1-based): chr8:42,463,006, T deleted on the plus strand (A on the coding strand, the reverse complement: SLC20A2 is on the minus strand); the first of 6 consecutive T bases (chr8:42,463,006-42,463,011); deleting any one gives the same sequence. VCF-style (leftmost placement, unchanged base first): chr8-42463005-CT-C. GRCh37 (hg19) VCF-style: chr8-42320523-CT-C.
Other names: c.515del, p.Lys172fs (NM_001257181.2, NM_006749.5); short protein forms K172fs.
Identifiers: ClinVar variation 4709591 (VCV004709591.1).

ClinVar aggregate classification (germline): Pathogenic (1 of 4 stars; one submission).

Submission:

Labcorp Genetics (formerly Invitae), Labcorp
Classification: Pathogenic. Last evaluated: 2025-10-25. Review status: criteria provided, single submitter. Criteria: Invitae Variant Classification Sherloc (09022015). Collection method: clinical testing. Allele origin: germline.
Comment: This sequence change creates a premature translational stop signal (p.Lys172Argfs*20) in the SLC20A2 gene. It is expected to result in an absent or disrupted protein product. Loss-of-function variants in SLC20A2 are known to be pathogenic (PMID: 23334463). This variant is not present in population databases (gnomAD no frequency). This premature translational stop signal has been observed in individual(s) with SLC20A2-related conditions (PMID: 23437308). For these reasons, this variant has been classified as Pathogenic.

Literature cited by the submitters: PubMed 23334463; PubMed 23437308.